The following is an entry in ClinVar:

ClinVar aggregate classification (germline): Uncertain significance. Review status: criteria provided, multiple submitters, no conflicts (2 of 4 stars). 2 submissions from 2 submitters: Uncertain significance (2). Last evaluated 2025-08-24.

Conditions:
Familial sleep-related hypermotor epilepsy. Also called: Autosomal Dominant Sleep-Related Hypermotor (Hyperkinetic) Epilepsy. Identifiers: Orphanet 98784, MedGen C3696898, MONDO:0000030.
Inborn genetic diseases. Identifiers: MedGen C0950123, MeSH D030342.

gnomAD v4.1: 3 of 1,613,560 alleles (0.00019%); highest among the groups gnomAD compares: South Asian, 0.0011%; no homozygotes.

Submissions (2):

Ambry Genetics
Classification: Uncertain significance for Inborn genetic diseases. Last evaluated: 2025-08-24. Review status: criteria provided, single submitter. Criteria: Ambry Variant Classification Scheme 2023. Collection method: clinical testing. Allele origin: germline.

Labcorp Genetics (formerly Invitae), Labcorp
Classification: Uncertain significance. Last evaluated: 2024-09-17. Review status: criteria provided, single submitter. Criteria: Invitae Variant Classification Sherloc (09022015). Collection method: clinical testing. Allele origin: germline.
Comment: This sequence change replaces valine, which is neutral and non-polar, with isoleucine, which is neutral and non-polar, at codon 317 of the CHRNA4 protein (p.Val317Ile). This variant is present in population databases (no rsID available, gnomAD 0.007%). This variant has not been reported in the literature in individuals affected with CHRNA4-related conditions. Invitae Evidence Modeling of protein sequence and biophysical properties (such as structural, functional, and spatial information, amino acid conservation, physicochemical variation, residue mobility, and thermodynamic stability) indicates that this missense variant is not expected to disrupt CHRNA4 protein function with a negative predictive value of 80%. In summary, the available evidence is currently insufficient to determine the role of this variant in disease. Therefore, it has been classified as a Variant of Uncertain Significance.

NM_000744.7(CHRNA4):c.949G>A (p.Val317Ile)

Gene: CHRNA4 (cholinergic receptor nicotinic alpha 4 subunit; minus strand). Cytogenetic location: 20q13.33.
Variant type: single nucleotide variant.
Coding change: c.949G>A on transcript NM_000744.7 (MANE Select); coding-DNA position 949, G replaced by A.
Protein change: p.Val317Ile; replaces valine 317 with isoleucine.
Molecular consequence: missense variant. On other transcripts: non-coding transcript variant (1).
Genome position (GRCh38, 1-based): chr20:63,350,462, C>T on the plus strand (G>A on the coding strand, the complement: CHRNA4 is on the minus strand). VCF-style: chr20-63350462-C-T. GRCh37 (hg19) VCF-style: chr20-61981814-C-T.
Other names: c.949G>A (NM_000744.5); c.421G>A, p.Val141Ile (NM_001256573.2); short protein forms V141I, V317I.
Identifiers: ClinVar variation 3604271 (VCV003604271.3).